The following is an entry in ClinVar:

ClinVar aggregate classification (germline): Uncertain significance (1 of 4 stars; one submission).

Conditions:
Inborn genetic diseases. Identifiers: MedGen C0950123, MeSH D030342.

Submission:

Ambry Genetics
Classification: Uncertain significance for Inborn genetic diseases. Last evaluated: 2026-09-06. Review status: criteria provided, single submitter. Criteria: Ambry Variant Classification Scheme 2023. Collection method: clinical testing. Allele origin: germline.
Comment: The p.A93T variant (also known as c.277G>A), located in coding exon 1 of the WT1 gene, results from a G to A substitution at nucleotide position 277. The alanine at codon 93 is replaced by threonine, an amino acid with similar properties. This amino acid position is conserved. In addition, this alteration is predicted to be tolerated by in silico analysis. Based on the available evidence, the clinical significance of this variant remains unclear.

NM_024426.6(WT1):c.292G>A (p.Ala98Thr)

Genes: WT1 (WT1 transcription factor; minus strand), LOC107982234 (WT1/WT1-AS bi-directional promoter region; plus strand). Cytogenetic location: 11p13.
Variant type: single nucleotide variant.
Coding change: c.292G>A on transcript NM_024426.6 (MANE Select); coding-DNA position 292, G replaced by A.
Protein change: p.Ala98Thr; replaces alanine 98 with threonine.
Molecular consequence: missense variant. On other transcripts: non-coding transcript variant (2).
Genome position (GRCh38, 1-based): chr11:32,435,069, C>T on the plus strand (G>A on the coding strand, the complement: WT1 is on the minus strand). VCF-style: chr11-32435069-C-T. GRCh37 (hg19) VCF-style: chr11-32456615-C-T.
Other names: c.292G>A, p.Ala98Thr (NM_001407046.1, NM_001407047.1, NM_001407048.1 and 6 more transcripts); c.73G>A, p.Ala25Thr (NM_001429031.1, NM_001429032.1, NM_001429033.1 and 1 more transcripts); short protein forms A93T, A25T, A98T.
Identifiers: ClinVar variation 5032066 (VCV005032066.1).